The following is an entry in ClinVar:

NM_014795.4(ZEB2):c.622G>A (p.Ala208Thr)

Gene: ZEB2 (zinc finger E-box binding homeobox 2; minus strand). Cytogenetic location: 2q22.3.
Variant type: single nucleotide variant.
Coding change: c.622G>A on transcript NM_014795.4 (MANE Select); coding-DNA position 622, G replaced by A.
Protein change: p.Ala208Thr; replaces alanine 208 with threonine.
Molecular consequence: missense variant.
Genome position (GRCh38, 1-based): chr2:144,404,101, C>T on the plus strand (G>A on the coding strand, the complement: ZEB2 is on the minus strand). VCF-style: chr2-144404101-C-T. GRCh37 (hg19) VCF-style: chr2-145161668-C-T.
Other names: c.550G>A, p.Ala184Thr (NM_001171653.2); short protein forms A184T, A208T.
Identifiers: ClinVar variation 1717981 (VCV001717981.5), dbSNP rs2549109416, ClinGen allele CA348714965.

ClinVar aggregate classification (germline): Uncertain significance (1 of 4 stars; one submission).

Conditions:
Mowat-Wilson syndrome (MOWS). Also called: Classic Mowat-Wilson Syndrome. Identifiers: Orphanet 2152, MedGen C1856113, MONDO:0009341, OMIM 235730.

Allele frequency attached by ClinVar (database versions not stated): gnomAD exomes below 0.00001.
gnomAD v4.1: 1 of 1,614,038 alleles (0.000062%); highest among the groups gnomAD compares: Non-Finnish European, 0.000085%; no homozygotes.

Submission:

Labcorp Genetics (formerly Invitae), Labcorp
Classification: Uncertain significance for Mowat-Wilson syndrome. Last evaluated: 2022-08-26. Review status: criteria provided, single submitter. Criteria: Invitae Variant Classification Sherloc (09022015). Collection method: clinical testing. Allele origin: germline.
Comment: Algorithms developed to predict the effect of missense changes on protein structure and function are either unavailable or do not agree on the potential impact of this missense change (SIFT: "Deleterious"; PolyPhen-2: "Probably Damaging"; Align-GVGD: "Class C0"). This variant has not been reported in the literature in individuals affected with ZEB2-related conditions. This variant is not present in population databases (gnomAD no frequency). This sequence change replaces alanine, which is neutral and non-polar, with threonine, which is neutral and polar, at codon 208 of the ZEB2 protein (p.Ala208Thr). In summary, the available evidence is currently insufficient to determine the role of this variant in disease. Therefore, it has been classified as a Variant of Uncertain Significance.